The following is an entry in ClinVar:

ClinVar aggregate classification (germline): Uncertain significance. Review status: criteria provided, multiple submitters, no conflicts (2 of 4 stars). 9 submissions from 7 submitters: Uncertain significance (8). 1 of the submissions does not count toward it. Last evaluated 2025-08-26.

Conditions:
Retinal dystrophy. Also called: Inherited retinal dystrophy. Identifiers: Orphanet 71862, MedGen C0854723, MeSH D058499, MONDO:0019118, HP:0000556.
Retinitis pigmentosa (RP). Identifiers: Orphanet 791, MedGen C0035334, MeSH D012174, MONDO:0019200, OMIM 268000. Inheritance: Autosomal dominant, autosomal recessive and X linked inheritance.
Retinitis pigmentosa 39 (RP39). Identifiers: Orphanet 791, MedGen C3151138, MONDO:0013436, OMIM 613809.
Usher syndrome type 2A. Also called: RETINAL DISEASE IN USHER SYNDROME TYPE IIA, MODIFIER OF; USHER SYNDROME, TYPE IIA. Identifiers: Orphanet 231178, Orphanet 886, MedGen C1848634, MONDO:0010169, OMIM 276901.
Inborn genetic diseases. Identifiers: MedGen C0950123, MeSH D030342.

Allele frequency attached by ClinVar (database versions not stated): TOPMed 0.00002; ESP Exome Variant Server 0.00008.
gnomAD v4.1: 31 of 1,613,810 alleles (0.0019%); highest among the groups gnomAD compares: Non-Finnish European, 0.0026%; no homozygotes.

Submissions (9):

Ambry Genetics
Classification: Uncertain significance for Inborn genetic diseases. Last evaluated: 2025-08-26. Review status: criteria provided, single submitter. Criteria: Ambry Variant Classification Scheme 2023. Collection method: clinical testing. Allele origin: germline.

CeGaT Center for Human Genetics Tuebingen
Classification: Uncertain significance. Last evaluated: 2024-11-01. Review status: criteria provided, single submitter. Criteria: CeGaT Center For Human Genetics Tuebingen Variant Classification Criteria Version 2. Collection method: clinical testing. Allele origin: germline. Affected: yes. Observed: 2 variant alleles.
Comment: USH2A: PM2, PM5, BP4

Genome-Nilou Lab
Classification: Uncertain significance for Retinitis pigmentosa 39. Last evaluated: 2023-11-04. Review status: criteria provided, single submitter. Criteria: ACMG Guidelines, 2015. Collection method: clinical testing. Allele origin: germline. Affected: no.

Genome-Nilou Lab
Classification: Uncertain significance for Usher syndrome type 2A. Last evaluated: 2023-11-04. Review status: criteria provided, single submitter. Criteria: ACMG Guidelines, 2015. Collection method: clinical testing. Allele origin: germline. Affected: no.

GeneDx
Classification: Uncertain significance. Last evaluated: 2023-04-10. Review status: criteria provided, single submitter. Criteria: GeneDx Variant Classification Process June 2021. Collection method: clinical testing. Allele origin: germline. Affected: yes.
Comment: Not observed at significant frequency in large population cohorts (gnomAD); In silico analysis supports that this missense variant does not alter protein structure/function; Has not been previously published as pathogenic or benign to our knowledge

Labcorp Genetics (formerly Invitae), Labcorp
Classification: Uncertain significance. Last evaluated: 2022-05-16. Review status: criteria provided, single submitter. Criteria: Invitae Variant Classification Sherloc (09022015). Collection method: clinical testing. Allele origin: germline.
Comment: This sequence change replaces asparagine, which is neutral and polar, with aspartic acid, which is acidic and polar, at codon 357 of the USH2A protein (p.Asn357Asp). This variant is present in population databases (rs144560419, gnomAD 0.003%). This variant has not been reported in the literature in individuals affected with USH2A-related conditions. ClinVar contains an entry for this variant (Variation ID: 875393). Algorithms developed to predict the effect of missense changes on protein structure and function (SIFT, PolyPhen-2, Align-GVGD) all suggest that this variant is likely to be tolerated. Algorithms developed to predict the effect of sequence changes on RNA splicing suggest that this variant may create or strengthen a splice site. In summary, the available evidence is currently insufficient to determine the role of this variant in disease. Therefore, it has been classified as a Variant of Uncertain Significance.

Illumina Laboratory Services, Illumina
Classification: Uncertain significance for Usher syndrome type 2A. Last evaluated: 2017-10-12. Review status: criteria provided, single submitter. Criteria: ICSL Variant Classification Criteria 13 December 2019. Collection method: clinical testing. Allele origin: germline.

Illumina Laboratory Services, Illumina
Classification: Uncertain significance for Retinitis pigmentosa. Last evaluated: 2017-10-12. Review status: criteria provided, single submitter. Criteria: ICSL Variant Classification Criteria 13 December 2019. Collection method: clinical testing. Allele origin: germline.

Institute of Human Genetics, Univ. Regensburg, Univ. Regensburg
Classification: Likely benign for Retinal dystrophy. Last evaluated: 2013-01-01. Review status: no assertion criteria provided. Criteria: ACMG Guidelines, 2015. Collection method: clinical testing. Allele origin: germline. Affected: yes. Not counted in ClinVar's aggregate classification.

NM_206933.4(USH2A):c.1069A>G (p.Asn357Asp)

Gene: USH2A (usherin; minus strand). Cytogenetic location: 1q41.
Variant type: single nucleotide variant.
Coding change: c.1069A>G on transcript NM_206933.4 (MANE Select); coding-DNA position 1069, A replaced by G.
Protein change: p.Asn357Asp; replaces asparagine 357 with aspartic acid.
Molecular consequence: missense variant.
Genome position (GRCh38, 1-based): chr1:216,325,379, T>C on the plus strand (A>G on the coding strand, the complement: USH2A is on the minus strand). VCF-style: chr1-216325379-T-C. GRCh37 (hg19) VCF-style: chr1-216498721-T-C.
Other names: c.1069A>G (NM_206933.2); c.1069A>G, p.Asn357Asp (NM_007123.6); short protein forms N357D.
Identifiers: ClinVar variation 875393 (VCV000875393.35), dbSNP rs144560419, ClinGen allele CA1396609.